The following is an entry in ClinVar:

NM_206933.4(USH2A):c.2941C>T (p.Arg981Cys)

Genes: USH2A (usherin; minus strand), USH2A-AS1 (USH2A antisense RNA 1; plus strand). Cytogenetic location: 1q41.
Variant type: single nucleotide variant.
Coding change: c.2941C>T on transcript NM_206933.4 (MANE Select); coding-DNA position 2941, C replaced by T.
Protein change: p.Arg981Cys; replaces arginine 981 with cysteine.
Molecular consequence: missense variant.
Genome position (GRCh38, 1-based): chr1:216,232,005, G>A on the plus strand (C>T on the coding strand, the complement: USH2A is on the minus strand). VCF-style: chr1-216232005-G-A. GRCh37 (hg19) VCF-style: chr1-216405347-G-A.
Other names: c.2941C>T, p.Arg981Cys (NM_007123.6); c.2941C>T (NM_206933.2); short protein forms R981C.
Identifiers: ClinVar variation 2150956 (VCV002150956.3), dbSNP rs1455456885, ClinGen allele CA344863170.

ClinVar aggregate classification (germline): Uncertain significance. Review status: criteria provided, multiple submitters, no conflicts (2 of 4 stars). 3 submissions from 3 submitters: Uncertain significance (3). Last evaluated 2025-11-26.

Conditions:
Inborn genetic diseases. Identifiers: MedGen C0950123, MeSH D030342.

Allele frequency attached by ClinVar (database versions not stated): gnomAD exomes below 0.00001; gnomAD 0.00001; TOPMed 0.00001.
gnomAD v4.1: 7 of 1,613,924 alleles (0.00043%); highest among the groups gnomAD compares: Non-Finnish European, 0.00051%; no homozygotes.

Submissions (3):

Ambry Genetics
Classification: Uncertain significance for Inborn genetic diseases. Last evaluated: 2025-11-26. Review status: criteria provided, single submitter. Criteria: Ambry Variant Classification Scheme 2023. Collection method: clinical testing. Allele origin: germline.

Labcorp Genetics (formerly Invitae), Labcorp
Classification: Uncertain significance. Last evaluated: 2021-08-27. Review status: criteria provided, single submitter. Criteria: Invitae Variant Classification Sherloc (09022015). Collection method: clinical testing. Allele origin: germline.
Comment: This sequence change replaces arginine with cysteine at codon 981 of the USH2A protein (p.Arg981Cys). The arginine residue is weakly conserved and there is a large physicochemical difference between arginine and cysteine. This variant is not present in population databases (ExAC no frequency). This variant has not been reported in the literature in individuals affected with USH2A-related conditions. Algorithms developed to predict the effect of missense changes on protein structure and function are either unavailable or do not agree on the potential impact of this missense change (SIFT: "Deleterious"; PolyPhen-2: "Possibly Damaging"; Align-GVGD: "Class C15"). In summary, the available evidence is currently insufficient to determine the role of this variant in disease. Therefore, it has been classified as a Variant of Uncertain Significance.

Blueprint Genetics
Classification: Uncertain significance. Last evaluated: 2020-09-29. Review status: criteria provided, single submitter. Criteria: ACMG Guidelines, 2015. Collection method: clinical testing. Allele origin: germline.